The following is an entry in ClinVar:

ClinVar aggregate classification (germline): Likely benign. Review status: criteria provided, multiple submitters, no conflicts (2 of 4 stars). 2 submissions from 2 submitters: Likely benign (2). Last evaluated 2026-05-01.

Allele frequency attached by ClinVar (database versions not stated): gnomAD 0.00005; gnomAD exomes 0.00006; TOPMed 0.00013; 1000 Genomes Project 30x 0.00016; 1000 Genomes Project 0.00020.
gnomAD v4.1: 98 of 1,591,714 alleles (0.0062%); highest among the groups gnomAD compares: Admixed American, 0.1%; no homozygotes.

Submissions (2):

CeGaT Center for Human Genetics Tuebingen
Classification: Likely benign. Last evaluated: 2026-05-01. Review status: criteria provided, single submitter. Criteria: CeGaT Center For Human Genetics Tuebingen Variant Classification Criteria Version 2. Collection method: clinical testing. Allele origin: germline. Affected: yes. Observed: 1 variant allele.
Comment: COQ8B: BP4, BP7

Labcorp Genetics (formerly Invitae), Labcorp
Classification: Likely benign. Last evaluated: 2026-01-22. Review status: criteria provided, single submitter. Criteria: Invitae Variant Classification Sherloc (09022015). Collection method: clinical testing. Allele origin: germline.

NM_024876.4(COQ8B):c.405G>A (p.Ser135=)

Gene: COQ8B (coenzyme Q8B; minus strand). Cytogenetic location: 19q13.2.
Variant type: single nucleotide variant.
Coding change: c.405G>A on transcript NM_024876.4 (MANE Select); coding-DNA position 405, G replaced by A.
Protein change: p.Ser135=; no amino-acid change (serine 135 retained).
Molecular consequence: synonymous variant. On other transcripts: intron variant (1).
Genome position (GRCh38, 1-based): chr19:40,705,410, C>T on the plus strand (G>A on the coding strand, the complement: COQ8B is on the minus strand). VCF-style: chr19-40705410-C-T. GRCh37 (hg19) VCF-style: chr19-41211315-C-T.
Other names: c.368-229G>A (NM_001142555.3).
Identifiers: ClinVar variation 750162 (VCV000750162.8), dbSNP rs376676303, ClinGen allele CA9450430.
Genomic context (GRCh38, chr19:40,705,410, plus strand): 5'-CTTGAGGGCGGCCCCTCGAACTGTACATAAGGTCTGCACAATCCGCTCGGCATTGGCCTC[C>T]GACAGGAAGGGGCTGGAGTCCAGCCCAGAACCACCCTCTGGGGAGAGAACAACCATTAGA-3'
Protein context (NP_079152.3, residues 125-145): GSGLDSSPFL[Ser135=]EANAERIVQT